The following is an entry in ClinVar:

NM_000059.4(BRCA2):c.8392C>G (p.Pro2798Ala)

Gene: BRCA2 (BRCA2 DNA repair associated; plus strand). Cytogenetic location: 13q13.1.
Variant type: single nucleotide variant.
Coding change: c.8392C>G on transcript NM_000059.4 (MANE Select); coding-DNA position 8392, C replaced by G.
Protein change: p.Pro2798Ala; replaces proline 2798 with alanine.
Molecular consequence: missense variant.
Genome position (GRCh38, 1-based): chr13:32,370,462, C>G. VCF-style: chr13-32370462-C-G. GRCh37 (hg19) VCF-style: chr13-32944599-C-G.
Other names: short protein forms P2798A.
Identifiers: ClinVar variation 489788 (VCV000489788.15), dbSNP rs750640009, ClinGen allele CA387752481.

ClinVar aggregate classification (germline): Uncertain significance. Review status: criteria provided, multiple submitters, no conflicts (2 of 4 stars). 3 submissions from 3 submitters: Uncertain significance (3). Last evaluated 2023-12-22.

Conditions:
Hereditary cancer-predisposing syndrome. Also called: Hereditary Cancer Syndrome; Neoplastic Syndromes, Hereditary; Tumor predisposition; Hereditary neoplastic syndrome. Identifiers: Orphanet 140162, MedGen C0027672, MeSH D009386, MONDO:0015356.
Hereditary breast ovarian cancer syndrome. Also called: Breast and ovarian cancer; Hereditary breast and/or ovarian cancer syndrome; Hereditary breast and ovarian cancer; Hereditary breast and ovarian cancer syndrome (HBOC); BRCA1- and BRCA2-Associated Hereditary Breast and Ovarian Cancer; Hereditary breast and ovarian cancer syndrome. Identifiers: Orphanet 145, MedGen C0677776, MeSH D061325, MONDO:0003582. Disease mechanism: loss of function.

Submissions (3):

Labcorp Genetics (formerly Invitae), Labcorp
Classification: Uncertain significance for Hereditary breast ovarian cancer syndrome. Last evaluated: 2023-12-22. Review status: criteria provided, single submitter. Criteria: Invitae Variant Classification Sherloc (09022015). Collection method: clinical testing. Allele origin: germline.
Comment: This sequence change replaces proline, which is neutral and non-polar, with alanine, which is neutral and non-polar, at codon 2798 of the BRCA2 protein (p.Pro2798Ala). This variant is not present in population databases (gnomAD no frequency). This variant has not been reported in the literature in individuals affected with BRCA2-related conditions. ClinVar contains an entry for this variant (Variation ID: 489788). Advanced modeling of protein sequence and biophysical properties (such as structural, functional, and spatial information, amino acid conservation, physicochemical variation, residue mobility, and thermodynamic stability) performed at Invitae indicates that this missense variant is not expected to disrupt BRCA2 protein function with a negative predictive value of 95%. In summary, the available evidence is currently insufficient to determine the role of this variant in disease. Therefore, it has been classified as a Variant of Uncertain Significance.

Quest Diagnostics Nichols Institute San Juan Capistrano
Classification: Uncertain significance. Last evaluated: 2020-07-17. Review status: criteria provided, single submitter. Criteria: Quest Diagnostics criteria. Collection method: clinical testing. Allele origin: unknown.

Color Diagnostics, LLC DBA Color Health
Classification: Uncertain significance for Hereditary cancer-predisposing syndrome. Last evaluated: 2019-04-17. Review status: criteria provided, single submitter. Criteria: ACMG Guidelines, 2015. Collection method: clinical testing. Allele origin: germline.